The following is an entry in ClinVar:

ClinVar aggregate classification (germline): Uncertain significance (1 of 4 stars; one submission).

gnomAD v4.1: 1 of 1,575,464 alleles (0.000063%); highest among the groups gnomAD compares: Non-Finnish European, 0.000086%; no homozygotes.

Submission:

CeGaT Center for Human Genetics Tuebingen
Classification: Uncertain significance. Last evaluated: 2024-07-01. Review status: criteria provided, single submitter. Criteria: CeGaT Center For Human Genetics Tuebingen Variant Classification Criteria Version 2. Collection method: clinical testing. Allele origin: germline. Affected: yes. Observed: 1 variant allele.
Comment: SYNPO: PM2, BP4

NM_007286.6(SYNPO):c.2516G>T (p.Arg839Leu)

Gene: SYNPO (synaptopodin; plus strand). Cytogenetic location: 5q33.1.
Variant type: single nucleotide variant.
Coding change: c.2516G>T on transcript NM_007286.6 (MANE Select); coding-DNA position 2516, G replaced by T.
Protein change: p.Arg839Leu; replaces arginine 839 with leucine.
Molecular consequence: missense variant.
Genome position (GRCh38, 1-based): chr5:150,656,891, G>T. VCF-style: chr5-150656891-G-T. GRCh37 (hg19) VCF-style: chr5-150036453-G-T.
Other names: short protein forms R839L.
Identifiers: ClinVar variation 3342009 (VCV003342009.16).